The following is an entry in ClinVar:

ClinVar aggregate classification (germline): Uncertain significance. Review status: criteria provided, multiple submitters, no conflicts (2 of 4 stars). 2 submissions from 2 submitters: Uncertain significance (2). Last evaluated 2025-08-05.

Conditions:
Cardiovascular phenotype. Identifiers: MedGen CN230736.

Submissions (2):

Ambry Genetics
Classification: Uncertain significance for Cardiovascular phenotype. Last evaluated: 2025-08-05. Review status: criteria provided, single submitter. Criteria: Ambry Variant Classification Scheme 2023. Collection method: clinical testing. Allele origin: germline.
Comment: The p.D214N variant (also known as c.640G>A), located in coding exon 2 of the LOX gene, results from a G to A substitution at nucleotide position 640. The aspartic acid at codon 214 is replaced by asparagine, an amino acid with highly similar properties. This variant was reported in individual(s) with features consistent with thoracic aortic aneurysm and dissection (Ambry internal data). This amino acid position is highly conserved in available vertebrate species. In addition, this alteration is predicted to be tolerated by in silico analysis. Based on the available evidence, the clinical significance of this variant remains unclear.

GeneDx
Classification: Uncertain significance. Last evaluated: 2025-01-22. Review status: criteria provided, single submitter. Criteria: GeneDx Variant Classification Process June 2021. Collection method: clinical testing. Allele origin: germline. Affected: yes.
Comment: Not observed at significant frequency in large population cohorts (gnomAD); In silico analysis supports that this missense variant has a deleterious effect on protein structure/function; Has not been previously published as pathogenic or benign to our knowledge; In silico analysis is inconclusive as to whether the variant alters gene splicing. In the absence of RNA/functional studies, the actual effect of this sequence change is unknown.

NM_002317.7(LOX):c.640G>A (p.Asp214Asn)

Genes: LOX (lysyl oxidase; minus strand), SRFBP1 (serum response factor binding protein 1; plus strand). Cytogenetic location: 5q23.1.
Variant type: single nucleotide variant.
Coding change: c.640G>A on transcript NM_002317.7 (MANE Select); coding-DNA position 640, G replaced by A.
Protein change: p.Asp214Asn; replaces aspartic acid 214 with asparagine.
Molecular consequence: missense variant. On other transcripts: 5 prime UTR variant (1), intron variant (1).
Genome position (GRCh38, 1-based): chr5:122,076,993, C>T on the plus strand (G>A on the coding strand, the complement: LOX is on the minus strand). VCF-style: chr5-122076993-C-T. GRCh37 (hg19) VCF-style: chr5-121412688-C-T.
Other names: p.(Asp214Asn); c.-51G>A (NM_001178102.2); c.-152+99G>A (NM_001317073.1); c.640G>A (NM_002317.5); short protein forms D214N.
Identifiers: ClinVar variation 4071768 (VCV004071768.2).